The following is an entry in ClinVar:

NM_000038.6(APC):c.4606G>A (p.Glu1536Lys)

Gene: APC (APC regulator of Wnt signaling pathway; plus strand). Cytogenetic location: 5q22.2.
Variant type: single nucleotide variant.
Coding change: c.4606G>A on transcript NM_000038.6 (MANE Select); coding-DNA position 4606, G replaced by A.
Protein change: p.Glu1536Lys; replaces glutamic acid 1536 with lysine.
Molecular consequence: missense variant.
Genome position (GRCh38, 1-based): chr5:112,840,200, G>A. VCF-style: chr5-112840200-G-A. GRCh37 (hg19) VCF-style: chr5-112175897-G-A.
Other names: c.4606G>A, p.Glu1536Lys (NM_001127510.3, NM_001354895.2); c.4552G>A, p.Glu1518Lys (NM_001127511.3); c.4660G>A, p.Glu1554Lys (NM_001354896.2); c.4636G>A, p.Glu1546Lys (NM_001354897.2); c.4531G>A, p.Glu1511Lys (NM_001354898.2); c.4522G>A, p.Glu1508Lys (NM_001354899.2); c.4483G>A, p.Glu1495Lys (NM_001354900.2); c.4429G>A, p.Glu1477Lys (NM_001354901.2); and 5 more; short protein forms E1518K, E1536K, E1435K, E1554K, E1376K, E1410K, E1253K, E1445K.
Identifiers: ClinVar variation 489454 (VCV000489454.10), dbSNP rs1554086001, ClinGen allele CA16031420.

ClinVar aggregate classification (germline): Uncertain significance. Review status: criteria provided, multiple submitters, no conflicts (2 of 4 stars). 3 submissions from 3 submitters: Uncertain significance (3). Last evaluated 2026-03-20.

Conditions:
Hereditary cancer-predisposing syndrome. Also called: Tumor predisposition; Hereditary neoplastic syndrome; Neoplastic Syndromes, Hereditary; Hereditary Cancer Syndrome. Identifiers: Orphanet 140162, MedGen C0027672, MeSH D009386, MONDO:0015356.
Familial adenomatous polyposis 1 (FAP1). Also called: POLYPOSIS, ADENOMATOUS INTESTINAL; FAMILIAL ADENOMATOUS POLYPOSIS 1, ATTENUATED. Identifiers: MedGen C2713442, MONDO:0021056, OMIM 175100. Disease mechanism: loss of function.

Allele frequency attached by ClinVar (database versions not stated): gnomAD exomes below 0.00001; TOPMed below 0.00001.
gnomAD v4.1: 1 of 1,614,128 alleles (0.000062%); highest among the groups gnomAD compares: Non-Finnish European, 0.000085%; no homozygotes.

Submissions (3):

Ambry Genetics
Classification: Uncertain significance for Hereditary cancer-predisposing syndrome. Last evaluated: 2026-03-20. Review status: criteria provided, single submitter. Criteria: Ambry Variant Classification Scheme 2023. Collection method: clinical testing. Allele origin: germline.
Comment: The p.E1536K variant (also known as c.4606G>A), located in coding exon 15 of the APC gene, results from a G to A substitution at nucleotide position 4606. The glutamic acid at codon 1536 is replaced by lysine, an amino acid with similar properties. This amino acid position is conserved. In addition, in silico predictors for this gene do not accurately predict pathogenicity. Based on the available evidence, the clinical significance of this variant remains unclear.

Labcorp Genetics (formerly Invitae), Labcorp
Classification: Uncertain significance for Familial adenomatous polyposis 1. Last evaluated: 2022-08-22. Review status: criteria provided, single submitter. Criteria: Invitae Variant Classification Sherloc (09022015). Collection method: clinical testing. Allele origin: germline.
Comment: ClinVar contains an entry for this variant (Variation ID: 489454). In summary, the available evidence is currently insufficient to determine the role of this variant in disease. Therefore, it has been classified as a Variant of Uncertain Significance. Algorithms developed to predict the effect of missense changes on protein structure and function (SIFT, PolyPhen-2, Align-GVGD) all suggest that this variant is likely to be tolerated. This variant has not been reported in the literature in individuals affected with APC-related conditions. This variant is not present in population databases (gnomAD no frequency). This sequence change replaces glutamic acid, which is acidic and polar, with lysine, which is basic and polar, at codon 1536 of the APC protein (p.Glu1536Lys).

Color Diagnostics, LLC DBA Color Health
Classification: Uncertain significance for Hereditary cancer-predisposing syndrome. Last evaluated: 2019-02-11. Review status: criteria provided, single submitter. Criteria: ACMG Guidelines, 2015. Collection method: clinical testing. Allele origin: germline.